The following is an entry in ClinVar:

ClinVar aggregate classification (germline): Uncertain significance. Review status: criteria provided, multiple submitters, no conflicts (2 of 4 stars). 2 submissions from 2 submitters: Uncertain significance (2). Last evaluated 2022-06-14.

Conditions:
Hereditary cancer-predisposing syndrome. Also called: Neoplastic Syndromes, Hereditary; Tumor predisposition; Hereditary Cancer Syndrome; Hereditary neoplastic syndrome. Identifiers: Orphanet 140162, MedGen C0027672, MeSH D009386, MONDO:0015356.
Retinoblastoma (RB1). Also called: RETINOBLASTOMA, SOMATIC. Identifiers: Orphanet 790, MedGen C0035335, MeSH D012175, MONDO:0008380, OMIM 180200, HP:0009919. Disease mechanism: loss of function. Inheritance: Both sporadic and heritable forms are tested..

Submissions (2):

Labcorp Genetics (formerly Invitae), Labcorp
Classification: Uncertain significance for Retinoblastoma. Last evaluated: 2022-06-14. Review status: criteria provided, single submitter. Criteria: Invitae Variant Classification Sherloc (09022015). Collection method: clinical testing. Allele origin: germline.
Comment: This sequence change replaces arginine, which is basic and polar, with serine, which is neutral and polar, at codon 355 of the RB1 protein (p.Arg355Ser). This variant is not present in population databases (gnomAD no frequency). This variant has not been reported in the literature in individuals affected with RB1-related conditions. Algorithms developed to predict the effect of missense changes on protein structure and function (SIFT, PolyPhen-2, Align-GVGD) all suggest that this variant is likely to be tolerated. In summary, the available evidence is currently insufficient to determine the role of this variant in disease. Therefore, it has been classified as a Variant of Uncertain Significance.

Ambry Genetics
Classification: Uncertain significance for Hereditary cancer-predisposing syndrome. Last evaluated: 2021-07-08. Review status: criteria provided, single submitter. Criteria: Ambry Variant Classification Scheme 2023. Collection method: clinical testing. Allele origin: germline.
Comment: The p.R355S variant (also known as c.1065A>T), located in coding exon 11 of the RB1 gene, results from an A to T substitution at nucleotide position 1065. The arginine at codon 355 is replaced by serine, an amino acid with dissimilar properties. This amino acid position is highly conserved in available vertebrate species. In addition, the in silico prediction for this alteration is inconclusive. Since supporting evidence is limited at this time, the clinical significance of this alteration remains unclear.

NM_000321.3(RB1):c.1065A>T (p.Arg355Ser)

Gene: RB1 (RB transcriptional corepressor 1; plus strand). Cytogenetic location: 13q14.2.
Variant type: single nucleotide variant.
Coding change: c.1065A>T on transcript NM_000321.3 (MANE Select); coding-DNA position 1065, A replaced by T.
Protein change: p.Arg355Ser; replaces arginine 355 with serine.
Molecular consequence: missense variant.
Genome position (GRCh38, 1-based): chr13:48,368,542, A>T. VCF-style: chr13-48368542-A-T. GRCh37 (hg19) VCF-style: chr13-48942678-A-T.
Other names: c.1065A>T, p.Arg355Ser (NM_001407165.1, NM_001407166.1); short protein forms R355S.
Identifiers: ClinVar variation 1781475 (VCV001781475.4), dbSNP rs2542189773, ClinGen allele CA388161126.